The following is an entry in ClinVar:

ClinVar aggregate classification (germline): Uncertain significance. Review status: criteria provided, multiple submitters, no conflicts (2 of 4 stars). 2 submissions from 2 submitters: Uncertain significance (2). Last evaluated 2025-07-29.

Conditions:
Retinitis pigmentosa 30 (RP30). Identifiers: Orphanet 791, MedGen C1842816, MONDO:0011935, OMIM 607921.

Allele frequency attached by ClinVar (database versions not stated): TOPMed 0.00007.
gnomAD v4.1: 96 of 1,596,710 alleles (0.006%); highest among the groups gnomAD compares: South Asian, 0.039%; no homozygotes.

Submissions (2):

Labcorp Genetics (formerly Invitae), Labcorp
Classification: Uncertain significance. Last evaluated: 2025-07-29. Review status: criteria provided, single submitter. Criteria: Invitae Variant Classification Sherloc (09022015). Collection method: clinical testing. Allele origin: germline.
Comment: This sequence change replaces glycine, which is neutral and non-polar, with arginine, which is basic and polar, at codon 369 of the FSCN2 protein (p.Gly369Arg). It affects a nucleotide within the consensus splice site. This variant is present in population databases (rs376938035, gnomAD 0.04%). This variant has not been reported in the literature in individuals affected with FSCN2-related conditions. ClinVar contains an entry for this variant (Variation ID: 852736). An algorithm developed to predict the effect of missense changes on protein structure and function (PolyPhen-2) suggests that this variant is likely to be tolerated. Variants that disrupt the consensus splice site are a relatively common cause of aberrant splicing (PMID: 17576681, 9536098). Studies have shown that this missense change alters mRNA splicing and is expected to lead to the loss of protein expression (PMID: 34996991). In summary, the available evidence is currently insufficient to determine the role of this variant in disease. Therefore, it has been classified as a Variant of Uncertain Significance.

Fulgent Genetics
Classification: Uncertain significance for Retinitis pigmentosa 30. Last evaluated: 2022-02-25. Review status: criteria provided, single submitter. Criteria: ACMG Guidelines, 2015. Collection method: clinical testing. Allele origin: unknown.

Literature cited by the submitters: PubMed 17576681 (cited by Labcorp Genetics (formerly Invitae), Labcorp); PubMed 9536098 (cited by Labcorp Genetics (formerly Invitae), Labcorp); PubMed 34996991 (cited by Labcorp Genetics (formerly Invitae), Labcorp).

NM_012418.4(FSCN2):c.1105G>A (p.Gly369Ser)

Gene: FSCN2 (fascin actin-bundling protein 2, retinal; plus strand). Cytogenetic location: 17q25.3.
Variant type: single nucleotide variant.
Coding change: c.1105G>A on transcript NM_012418.4 (MANE Select); coding-DNA position 1105, G replaced by A.
Protein change: p.Gly369Ser; replaces glycine 369 with serine.
Molecular consequence: missense variant.
Genome position (GRCh38, 1-based): chr17:81,536,267, G>A. VCF-style: chr17-81536267-G-A. GRCh37 (hg19) VCF-style: chr17-79503293-G-A.
Other names: c.1105G>A, p.Gly369Arg (NM_001077182.3); short protein forms G369S, G369R.
Identifiers: ClinVar variation 852736 (VCV000852736.10), dbSNP rs376938035, ClinGen allele CA8836958.
Genomic context (GRCh38, chr17:81,536,267, plus strand): 5'-AACGGGCGCTACGTGTGCATGAAGAAGAATGGGCAGCTGGCGGCTATCAGCGATTTTGTC[G>A]GTGAGCACTCTGCCTGCCAGGTACTGGGGCAGGGGCTGTCTCCACCCAGGGAAAGGACCT-3'
Protein context (NP_036550.1, residues 359-379): GQLAAISDFV[Gly369Ser]KDEEFTLKLI